The following is an entry in ClinVar:

NC_000016.9:g.(?_3306291)_(3306587_?)dup

Gene: MEFV (MEFV innate immunity regulator, pyrin; minus strand). Cytogenetic location: 16p13.3.
Variant type: Duplication.
Identifiers: ClinVar variation 2422626 (VCV002422626.3).

ClinVar aggregate classification (germline): Uncertain significance (1 of 4 stars; one submission).

Conditions:
Familial Mediterranean fever (FMF). Also called: POLYSEROSITIS, FAMILIAL PAROXYSMAL; POLYSEROSITIS, RECURRENT; Periodic peritonitis; Benign paroxysmal peritonitis. Identifiers: Orphanet 342, MedGen C0031069, MONDO:0018088, OMIM 249100. Disease mechanism: gain of function.

Submission:

Labcorp Genetics (formerly Invitae), Labcorp
Classification: Uncertain significance for Familial Mediterranean fever. Last evaluated: 2021-06-03. Review status: criteria provided, single submitter. Criteria: Invitae Variant Classification Sherloc (09022015). Collection method: clinical testing. Allele origin: germline.
Comment: This variant results in a copy number gain of the genomic region encompassing exon(s) 1 of the MEFV gene. This region includes the initiator codon of the gene. The 5' end of this event is unknown as it extends beyond the assayed region for this gene and therefore may encompass additional genes. The 3' boundary is likely confined to intron 1 of the MEFV gene. As the precise location of this event is unknown, it may be in tandem or it may be located elsewhere in the genome. This variant has not been reported in the literature in individuals with MEFV-related conditions. In summary, the available evidence is currently insufficient to determine the role of this variant in disease. Therefore, it has been classified as a Variant of Uncertain Significance.